The following is an entry in ClinVar:

ClinVar aggregate classification (germline): Uncertain significance (1 of 4 stars; one submission).

Submission:

Women's Health and Genetics/Laboratory Corporation of America, LabCorp
Classification: Uncertain significance. Last evaluated: 2025-03-18. Review status: criteria provided, single submitter. Criteria: LabCorp Variant Classification Summary - May 2015. Collection method: clinical testing. Allele origin: germline.
Comment: Variant summary: RNF170 c.-7-10_-7-8delCTT is located in the untranslated mRNA region upstream of the initiation codon. Consensus agreement among computation tools predict no significant impact on normal splicing. However, these predictions have yet to be confirmed by functional studies. The variant allele was found at a frequency of 5.6e-05 in 251264 control chromosomes. This frequency is not significantly higher than estimated for a pathogenic variant in RNF170 causing Autosomal Recessive Spastic Paraplegia 85, allowing no conclusion about variant significance. To our knowledge, no occurrence of c.-7-10_-7-8delCTT in individuals affected with Autosomal Recessive Spastic Paraplegia or other RNF170-related disorders and no experimental evidence demonstrating its impact on protein function have been reported. No submitters have cited clinical-significance assessments for this variant to ClinVar. Based on the evidence outlined above, the variant was classified as uncertain significance.

NM_030954.4(RNF170):c.-7-10_-7-8del

Gene: RNF170 (ring finger protein 170; minus strand). Cytogenetic location: 8p11.21.
Variant type: Microsatellite.
Coding change: c.-7-10_-7-8del on transcript NM_030954.4 (MANE Select); 10 bases into the intron before 7 bases upstream of the start codon through 8 bases into the intron before 7 bases upstream of the start codon, 3 bases deleted (CTT; older notation c.-7-10_-7-8delCTT).
Molecular consequence: intron variant.
Genome position (GRCh38, 1-based): chr8:42,887,879-42,887,881, AAG deleted on the plus strand (CTT on the coding strand, the reverse complement: RNF170 is on the minus strand); deleting any 3 consecutive bases within chr8:42,887,879-42,887,886 gives the same sequence; the c. name uses the placement nearest the transcript's 3' end. VCF-style (leftmost placement, unchanged base first): chr8-42887878-TAAG-T. GRCh37 (hg19) VCF-style: chr8-42743021-TAAG-T.
Other names: c.-7-10_-7-8del (NM_001160224.2, NM_001160223.2); c.-138-10_-138-8del (NM_001160225.2); c.-7-10_-7-8delCTT (NM_030954.4).
Identifiers: ClinVar variation 3895570 (VCV003895570.1).